The following is an entry in ClinVar:

NM_030665.4(RAI1):c.4652C>T (p.Ser1551Leu)

Gene: RAI1 (retinoic acid induced 1; plus strand). Cytogenetic location: 17p11.2.
Variant type: single nucleotide variant.
Coding change: c.4652C>T on transcript NM_030665.4 (MANE Select); coding-DNA position 4652, C replaced by T.
Protein change: p.Ser1551Leu; replaces serine 1551 with leucine.
Molecular consequence: missense variant.
Genome position (GRCh38, 1-based): chr17:17,797,600, C>T. VCF-style: chr17-17797600-C-T. GRCh37 (hg19) VCF-style: chr17-17700914-C-T.
Other names: short protein forms S1551L.
Identifiers: ClinVar variation 448156 (VCV000448156.57), dbSNP rs202158738, ClinGen allele CA8418999.

ClinVar aggregate classification (germline): Conflicting classifications of pathogenicity. Review status: criteria provided, conflicting classifications (1 of 4 stars). 6 submissions from 6 submitters: Uncertain significance (1); Benign (2); Likely benign (2). 1 of the submissions does not count toward it. Last evaluated 2026-01-19.

Conditions:
RAI1-related disorder. Also called: RAI1-related condition.
Inborn genetic diseases. Identifiers: MedGen C0950123, MeSH D030342.

Allele frequency attached by ClinVar (database versions not stated): 1000 Genomes Project 30x 0.00016; 1000 Genomes Project 0.00020; ESP Exome Variant Server 0.00023; TOPMed 0.00028; ExAC 0.00029; gnomAD exomes 0.00035 and 0.00033; gnomAD 0.00030 and 0.00032.
gnomAD v4.1: 547 of 1,614,050 alleles (0.034%); highest among the groups gnomAD compares: Non-Finnish European, 0.042%; no homozygotes.

Submissions (6):

Labcorp Genetics (formerly Invitae), Labcorp
Classification: Benign. Last evaluated: 2026-01-19. Review status: criteria provided, single submitter. Criteria: Invitae Variant Classification Sherloc (09022015). Collection method: clinical testing. Allele origin: germline.

Blueprint Genetics
Classification: Likely benign. Last evaluated: 2024-11-07. Review status: criteria provided, single submitter. Criteria: ACMG Guidelines, 2015. Collection method: clinical testing. Allele origin: germline.

GeneDx
Classification: Benign. Last evaluated: 2020-01-27. Review status: criteria provided, single submitter. Criteria: GeneDx Variant Classification Process June 2021. Collection method: clinical testing. Allele origin: germline. Affected: yes.

Ambry Genetics
Classification: Likely benign for Inborn genetic diseases. Last evaluated: 2018-07-12. Review status: criteria provided, single submitter. Criteria: Ambry Variant Classification Scheme 2023. Collection method: clinical testing. Allele origin: germline.

Athena Diagnostics
Classification: Uncertain significance. Last evaluated: 2017-02-20. Review status: criteria provided, single submitter. Criteria: Athena Diagnostics Criteria. Collection method: clinical testing. Allele origin: germline.

PreventionGenetics, part of Exact Sciences
Classification: Likely benign for RAI1-related condition. Last evaluated: 2020-04-30. Review status: no assertion criteria provided. Collection method: clinical testing. Allele origin: germline. Not counted in ClinVar's aggregate classification.
Comment: This variant is classified as likely benign based on ACMG/AMP sequence variant interpretation guidelines (Richards et al. 2015 PMID: 25741868, with internal and published modifications).